The following is an entry in ClinVar:

ClinVar aggregate classification (germline): Uncertain significance (1 of 4 stars; one submission).

Conditions:
RASopathy. Also called: rasopathies; Noonan spectrum disorder. Identifiers: Orphanet 536391, MedGen C5555857, MONDO:0021060.

Allele frequency attached by ClinVar (database versions not stated): ExAC 0.00001; gnomAD exomes below 0.00001.
gnomAD v4.1: 4 of 1,593,372 alleles (0.00025%); highest among the groups gnomAD compares: African/African-American, 0.004%; no homozygotes.

Submission:

Labcorp Genetics (formerly Invitae), Labcorp
Classification: Uncertain significance for RASopathy. Last evaluated: 2022-09-22. Review status: criteria provided, single submitter. Criteria: Invitae Variant Classification Sherloc (09022015). Collection method: clinical testing. Allele origin: germline.
Comment: In summary, the available evidence is currently insufficient to determine the role of this variant in disease. Therefore, it has been classified as a Variant of Uncertain Significance. Algorithms developed to predict the effect of sequence changes on RNA splicing suggest that this variant may disrupt the consensus splice site. This variant has not been reported in the literature in individuals affected with BRAF-related conditions. This variant is present in population databases (rs778487115, gnomAD 0.007%). This sequence change falls in intron 4 of the BRAF gene. It does not directly change the encoded amino acid sequence of the BRAF protein.

NM_004333.6(BRAF):c.609-6T>C

Gene: BRAF (B-Raf proto-oncogene, serine/threonine kinase; minus strand). Cytogenetic location: 7q34.
Variant type: single nucleotide variant.
Coding change: c.609-6T>C on transcript NM_004333.6 (MANE Select); 6 bases into the intron before coding-DNA position 609, T replaced by C.
Molecular consequence: intron variant.
Genome position (GRCh38, 1-based): chr7:140,808,068, A>G on the plus strand (T>C on the coding strand, the complement: BRAF is on the minus strand). VCF-style: chr7-140808068-A-G. GRCh37 (hg19) VCF-style: chr7-140507868-A-G.
Other names: c.609-6T>C (NM_001378474.1, NM_001378471.1, NM_001378468.1 and 4 more transcripts); c.507-6T>C (NM_001378470.1); c.345-6T>C (NM_001378475.1); c.618-6T>C (NM_001378467.1); c.453-6T>C (NM_001378472.1, NM_001378473.1).
Identifiers: ClinVar variation 2067276 (VCV002067276.4), dbSNP rs778487115, ClinGen allele CA4516917.